The following is an entry in ClinVar:

ClinVar aggregate classification (germline): Uncertain significance (1 of 4 stars; one submission).

Submission:

Labcorp Genetics (formerly Invitae), Labcorp
Classification: Uncertain significance. Last evaluated: 2024-03-18. Review status: criteria provided, single submitter. Criteria: Invitae Variant Classification Sherloc (09022015). Collection method: clinical testing. Allele origin: germline.
Comment: This sequence change replaces serine, which is neutral and polar, with threonine, which is neutral and polar, at codon 567 of the LRP5 protein (p.Ser567Thr). This variant is not present in population databases (gnomAD no frequency). This variant has not been reported in the literature in individuals affected with LRP5-related conditions. Advanced modeling of protein sequence and biophysical properties (such as structural, functional, and spatial information, amino acid conservation, physicochemical variation, residue mobility, and thermodynamic stability) has been performed at Invitae for this missense variant, however the output from this modeling did not meet the statistical confidence thresholds required to predict the impact of this variant on LRP5 protein function. In summary, the available evidence is currently insufficient to determine the role of this variant in disease. Therefore, it has been classified as a Variant of Uncertain Significance.

NM_002335.4(LRP5):c.1700G>C (p.Ser567Thr)

Gene: LRP5 (LDL receptor related protein 5; plus strand). Cytogenetic location: 11q13.2.
Variant type: single nucleotide variant.
Coding change: c.1700G>C on transcript NM_002335.4 (MANE Select); coding-DNA position 1700, G replaced by C.
Protein change: p.Ser567Thr; replaces serine 567 with threonine.
Molecular consequence: missense variant. On other transcripts: 5 prime UTR variant (1).
Genome position (GRCh38, 1-based): chr11:68,403,598, G>C. VCF-style: chr11-68403598-G-C. GRCh37 (hg19) VCF-style: chr11-68171066-G-C.
Other names: c.-238G>C (NM_001291902.2); short protein forms S567T.
Identifiers: ClinVar variation 3634234 (VCV003634234.2).